The following is an entry in ClinVar:

ClinVar aggregate classification (germline): Uncertain significance (1 of 4 stars; one submission).

Conditions:
Psoriasis 2. Identifiers: MedGen C1864497, MONDO:0011269, OMIM 602723.
Pityriasis rubra pilaris (PRP). Also called: Pityriasis rubra pilaris--familial type. Identifiers: Orphanet 2897, MedGen C0032027, MONDO:0100017, OMIM 173200, MONDO:0008251.

Submission:

Labcorp Genetics (formerly Invitae), Labcorp
Classification: Uncertain significance for Pityriasis rubra pilaris; Psoriasis 2. Last evaluated: 2025-06-23. Review status: criteria provided, single submitter. Criteria: Invitae Variant Classification Sherloc (09022015). Collection method: clinical testing. Allele origin: germline.
Comment: This sequence change replaces arginine, which is basic and polar, with leucine, which is neutral and non-polar, at codon 941 of the CARD14 protein (p.Arg941Leu). This variant is not present in population databases (gnomAD no frequency). This variant has not been reported in the literature in individuals affected with CARD14-related conditions. Invitae Evidence Modeling of protein sequence and biophysical properties (such as structural, functional, and spatial information, amino acid conservation, physicochemical variation, residue mobility, and thermodynamic stability) has been performed for this missense variant. However, the output from this modeling did not meet the statistical confidence thresholds required to predict the impact of this variant on CARD14 protein function. In summary, the available evidence is currently insufficient to determine the role of this variant in disease. Therefore, it has been classified as a Variant of Uncertain Significance.

NM_001366385.1(CARD14):c.2822G>T (p.Arg941Leu)

Genes: CARD14 (caspase recruitment domain family member 14; plus strand), SGSH (N-sulfoglucosamine sulfohydrolase; minus strand). Cytogenetic location: 17q25.3.
Variant type: single nucleotide variant.
Coding change: c.2822G>T on transcript NM_001366385.1 (MANE Select); coding-DNA position 2822, G replaced by T.
Protein change: p.Arg941Leu; replaces arginine 941 with leucine.
Molecular consequence: missense variant. On other transcripts: non-coding transcript variant (1).
Genome position (GRCh38, 1-based): chr17:80,208,152, G>T. VCF-style: chr17-80208152-G-T. GRCh37 (hg19) VCF-style: chr17-78181951-G-T.
Other names: c.2822G>T, p.Arg941Leu (NM_024110.4); short protein forms R941L.
Identifiers: ClinVar variation 4794949 (VCV004794949.1).